The following is an entry in ClinVar:

NM_138387.4(G6PC3):c.513G>T (p.Gln171His)

Gene: G6PC3 (glucose-6-phosphatase catalytic subunit 3; plus strand). Cytogenetic location: 17q21.31.
Variant type: single nucleotide variant.
Coding change: c.513G>T on transcript NM_138387.4 (MANE Select); coding-DNA position 513, G replaced by T.
Protein change: p.Gln171His; replaces glutamine 171 with histidine.
Molecular consequence: missense variant. On other transcripts: intron variant (1).
Genome position (GRCh38, 1-based): chr17:44,075,065, G>T. VCF-style: chr17-44075065-G-T. GRCh37 (hg19) VCF-style: chr17-42152433-G-T.
Other names: c.168G>T, p.Gln56His (NM_001384165.1, NM_001384166.1, NM_001384167.1 and 1 more transcripts); c.417-245G>T (NM_001319945.2); short protein forms Q56H, Q171H.
Identifiers: ClinVar variation 5022100 (VCV005022100.1).

ClinVar aggregate classification (germline): Uncertain significance (1 of 4 stars; one submission).

Conditions:
Inborn genetic diseases. Identifiers: MedGen C0950123, MeSH D030342.

Submission:

Ambry Genetics
Classification: Uncertain significance for Inborn genetic diseases. Last evaluated: 2026-08-18. Review status: criteria provided, single submitter. Criteria: Ambry Variant Classification Scheme 2023. Collection method: clinical testing. Allele origin: germline.
Comment: The p.Q171H variant (also known as c.513G>T), located in coding exon 4 of the G6PC3 gene, results from a G to T substitution at nucleotide position 513. The glutamine at codon 171 is replaced by histidine, an amino acid with highly similar properties. This amino acid position is conserved. In addition, this alteration is predicted to be deleterious by in silico analysis. Based on the available evidence, the clinical significance of this variant remains unclear.